The following is an entry in ClinVar:

NM_001379500.1(COL18A1):c.997G>A (p.Val333Met)

Gene: COL18A1 (collagen type XVIII alpha 1 chain; plus strand). Cytogenetic location: 21q22.3.
Variant type: single nucleotide variant.
Coding change: c.997G>A on transcript NM_001379500.1 (MANE Select); coding-DNA position 997, G replaced by A.
Protein change: p.Val333Met; replaces valine 333 with methionine.
Molecular consequence: missense variant.
Genome position (GRCh38, 1-based): chr21:45,477,479, G>A. VCF-style: chr21-45477479-G-A. GRCh37 (hg19) VCF-style: chr21-46897393-G-A.
Other names: NM_130445.2:c.997G>A; c.1537G>A, p.Val513Met (NM_030582.4); c.2242G>A, p.Val748Met (NM_130444.3); short protein forms V513M, V333M, V748M.
Identifiers: ClinVar variation 1354077 (VCV001354077.4), dbSNP rs367882523, ClinGen allele CA10066044.
Genomic context (GRCh38, chr21:45,477,479, plus strand): 5'-CTTCCTGGCTCAGATTCTGTCTCCACGTGGGACGGGAGTGTCCGGACCCCTGGGGGCCGC[G>A]TGAAAGAGGTAAGGCCACCTCCCTGTGCTCCTGAACCATTCTGAACCAGAGCACCTGTGG-3'
Protein context (NP_001366429.1, residues 323-343): DGSVRTPGGR[Val333Met]KEGGLKGQKG

ClinVar aggregate classification (germline): Uncertain significance. Review status: criteria provided, multiple submitters, no conflicts (2 of 4 stars). 2 submissions from 2 submitters: Uncertain significance (2). Last evaluated 2024-04-15.

Conditions:
Inborn genetic diseases. Identifiers: MedGen C0950123, MeSH D030342.

Allele frequency attached by ClinVar (database versions not stated): gnomAD exomes 0.00002 and 0.00008; ExAC 0.00005; gnomAD 0.00005; TOPMed 0.00005; ESP Exome Variant Server 0.00008; 1000 Genomes Project 0.00020; 1000 Genomes Project 30x 0.00031.
gnomAD v4.1: 126 of 1,609,470 alleles (0.0078%); highest among the groups gnomAD compares: Non-Finnish European, 0.01%; no homozygotes.

Submissions (2):

Ambry Genetics
Classification: Uncertain significance for Inborn genetic diseases. Last evaluated: 2024-04-15. Review status: criteria provided, single submitter. Criteria: Ambry Variant Classification Scheme 2023. Collection method: clinical testing. Allele origin: germline.

Labcorp Genetics (formerly Invitae), Labcorp
Classification: Uncertain significance. Last evaluated: 2022-09-27. Review status: criteria provided, single submitter. Criteria: Invitae Variant Classification Sherloc (09022015). Collection method: clinical testing. Allele origin: germline.
Comment: This sequence change replaces valine, which is neutral and non-polar, with methionine, which is neutral and non-polar, at codon 333 of the COL18A1 protein (p.Val333Met). The frequency data for this variant in the population databases is considered unreliable, as metrics indicate poor data quality at this position in the gnomAD database. This variant has not been reported in the literature in individuals affected with COL18A1-related conditions. ClinVar contains an entry for this variant (Variation ID: 1354077). Experimental studies and prediction algorithms are not available or were not evaluated, and the functional significance of this variant is currently unknown. In summary, the available evidence is currently insufficient to determine the role of this variant in disease. Therefore, it has been classified as a Variant of Uncertain Significance.